The following is an entry in ClinVar:

NM_017617.5(NOTCH1):c.2530T>C (p.Cys844Arg)

Gene: NOTCH1 (notch receptor 1; minus strand). Cytogenetic location: 9q34.3.
Variant type: single nucleotide variant.
Coding change: c.2530T>C on transcript NM_017617.5 (MANE Select); coding-DNA position 2530, T replaced by C.
Protein change: p.Cys844Arg; replaces cysteine 844 with arginine.
Molecular consequence: missense variant.
Genome position (GRCh38, 1-based): chr9:136,511,209, A>G on the plus strand (T>C on the coding strand, the complement: NOTCH1 is on the minus strand). VCF-style: chr9-136511209-A-G. GRCh37 (hg19) VCF-style: chr9-139405661-A-G.
Other names: short protein forms C844R.
Identifiers: ClinVar variation 3685123 (VCV003685123.2).
Genomic context (GRCh38, chr9:136,511,209, plus strand): 5'-CACCTTGCCAGCCCGTGGGGCAGACACAGGAGAAGCTCTCATAGTCCTCGGATTGCCTGC[A>G]CTCCCCGCCGTTTCTGCAGGGGCTGGGGGCACACGGGGCCAGCACCACCTCACACGTGGC-3'
Protein context (NP_060087.3, residues 834-854): APSPCRNGGE[Cys844Arg]RQSEDYESFS

ClinVar aggregate classification (germline): Uncertain significance (1 of 4 stars; one submission).

Conditions:
Adams-Oliver syndrome 5 (AOS5). Identifiers: Orphanet 974, MedGen C4014970, MONDO:0014459, OMIM 616028.

gnomAD v4.1: 1 of 1,609,378 alleles (0.000062%); highest among the groups gnomAD compares: South Asian, 0.0011%; no homozygotes.

Submission:

Labcorp Genetics (formerly Invitae), Labcorp
Classification: Uncertain significance for Adams-Oliver syndrome 5. Last evaluated: 2024-12-18. Review status: criteria provided, single submitter. Criteria: Invitae Variant Classification Sherloc (09022015). Collection method: clinical testing. Allele origin: germline.
Comment: This sequence change replaces cysteine, which is neutral and slightly polar, with arginine, which is basic and polar, at codon 844 of the NOTCH1 protein (p.Cys844Arg). This variant is not present in population databases (gnomAD no frequency). This variant has not been reported in the literature in individuals affected with NOTCH1-related conditions. Invitae Evidence Modeling of protein sequence and biophysical properties (such as structural, functional, and spatial information, amino acid conservation, physicochemical variation, residue mobility, and thermodynamic stability) indicates that this missense variant is expected to disrupt NOTCH1 protein function with a positive predictive value of 95%. In summary, the available evidence is currently insufficient to determine the role of this variant in disease. Therefore, it has been classified as a Variant of Uncertain Significance.